The following is an entry in ClinVar:

ClinVar aggregate classification (germline): Uncertain significance (1 of 4 stars; one submission).

Submission:

Labcorp Genetics (formerly Invitae), Labcorp
Classification: Uncertain significance. Last evaluated: 2025-09-25. Review status: criteria provided, single submitter. Criteria: Invitae Variant Classification Sherloc (09022015). Collection method: clinical testing. Allele origin: germline.
Comment: This sequence change replaces leucine, which is neutral and non-polar, with valine, which is neutral and non-polar, at codon 159 of the CSGALNACT1 protein (p.Leu159Val). This variant is present in population databases (no rsID available, gnomAD 0.003%). This variant has not been reported in the literature in individuals affected with CSGALNACT1-related conditions. Invitae Evidence Modeling of protein sequence and biophysical properties (such as structural, functional, and spatial information, amino acid conservation, physicochemical variation, residue mobility, and thermodynamic stability) indicates that this missense variant is not expected to disrupt CSGALNACT1 protein function with a negative predictive value of 80%. In summary, the available evidence is currently insufficient to determine the role of this variant in disease. Therefore, it has been classified as a Variant of Uncertain Significance.

NM_001354483.2(CSGALNACT1):c.475C>G (p.Leu159Val)

Gene: CSGALNACT1 (chondroitin sulfate N-acetylgalactosaminyltransferase 1; minus strand). Cytogenetic location: 8p21.3.
Variant type: single nucleotide variant.
Coding change: c.475C>G on transcript NM_001354483.2 (MANE Select); coding-DNA position 475, C replaced by G.
Protein change: p.Leu159Val; replaces leucine 159 with valine.
Molecular consequence: missense variant. On other transcripts: non-coding transcript variant (7).
Genome position (GRCh38, 1-based): chr8:19,505,360, G>C on the plus strand (C>G on the coding strand, the complement: CSGALNACT1 is on the minus strand). VCF-style: chr8-19505360-G-C. GRCh37 (hg19) VCF-style: chr8-19362871-G-C.
Other names: c.475C>G, p.Leu159Val (NM_001130518.2, NM_001354475.2, NM_001354476.2 and 18 more transcripts); short protein forms L159V.
Identifiers: ClinVar variation 4811005 (VCV004811005.1).